The following is an entry in ClinVar:

NM_007126.5(VCP):c.1186C>G (p.Leu396Val)

Gene: VCP (valosin containing protein; minus strand). Cytogenetic location: 9p13.3.
Variant type: single nucleotide variant.
Coding change: c.1186C>G on transcript NM_007126.5 (MANE Select); coding-DNA position 1186, C replaced by G.
Protein change: p.Leu396Val; replaces leucine 396 with valine.
Molecular consequence: missense variant.
Genome position (GRCh38, 1-based): chr9:35,061,585, G>C on the plus strand (C>G on the coding strand, the complement: VCP is on the minus strand). VCF-style: chr9-35061585-G-C. GRCh37 (hg19) VCF-style: chr9-35061582-G-C.
Other names: c.1051C>G, p.Leu351Val (NM_001354927.2, NM_001354928.2); short protein forms L396V, L351V.
Identifiers: ClinVar variation 1348994 (VCV001348994.10), dbSNP rs2131031813, ClinGen allele CA373282916.

ClinVar aggregate classification (germline): Uncertain significance. Review status: criteria provided, multiple submitters, no conflicts (2 of 4 stars). 2 submissions from 2 submitters: Uncertain significance (2). Last evaluated 2023-07-25.

Conditions:
Frontotemporal dementia and/or amyotrophic lateral sclerosis 6 (FTDALS6). Also called: VCP-Related Amyotrophic Lateral Sclerosis; VCP-Related Amyotrophic Lateral Sclerosis/Frontotemporal Dementia. Identifiers: Orphanet 275872, Orphanet 803, MedGen C5436279, MONDO:0013501, OMIM 613954.
Inclusion body myopathy with Paget disease of bone and frontotemporal dementia. Also called: Inclusion body myopathy with early-onset Paget disease and frontotemporal dementia. Identifiers: Orphanet 52430, MedGen C1833662, MONDO:0000507.

Submissions (2):

Labcorp Genetics (formerly Invitae), Labcorp
Classification: Uncertain significance for Inclusion body myopathy with Paget disease of bone and frontotemporal dementia; Frontotemporal dementia and/or amyotrophic lateral sclerosis 6. Last evaluated: 2023-07-25. Review status: criteria provided, single submitter. Criteria: Invitae Variant Classification Sherloc (09022015). Collection method: clinical testing. Allele origin: germline.
Comment: This variant is not present in population databases (gnomAD no frequency). In summary, the available evidence is currently insufficient to determine the role of this variant in disease. Therefore, it has been classified as a Variant of Uncertain Significance. Advanced modeling of protein sequence and biophysical properties (such as structural, functional, and spatial information, amino acid conservation, physicochemical variation, residue mobility, and thermodynamic stability) performed at Invitae indicates that this missense variant is not expected to disrupt VCP protein function. ClinVar contains an entry for this variant (Variation ID: 1348994). This variant has not been reported in the literature in individuals affected with VCP-related conditions. This sequence change replaces leucine, which is neutral and non-polar, with valine, which is neutral and non-polar, at codon 396 of the VCP protein (p.Leu396Val).

Revvity Omics, Revvity
Classification: Uncertain significance. Last evaluated: 2022-04-18. Review status: criteria provided, single submitter. Criteria: ACMG Guidelines, 2015. Collection method: clinical testing. Allele origin: germline.